The following is an entry in ClinVar:

ClinVar aggregate classification (germline): Likely benign (1 of 4 stars; one submission).

Conditions:
Melanoma, cutaneous malignant, susceptibility to, 3. Also called: Cutaneous malignant melanoma 3. Identifiers: Orphanet 618, MedGen C1836892, MONDO:0012183, OMIM 609048.

Submission:

Myriad Genetics, Inc.
Classification: Likely benign for Melanoma, cutaneous malignant, susceptibility to, 3. Last evaluated: 2024-09-25. Review status: criteria provided, single submitter. Criteria: Myriad Autosomal Dominant, Autosomal Recessive and X-Linked Classification Criteria (2023). Collection method: clinical testing. Allele origin: unknown.
Comment: This variant is considered likely benign. This variant is intronic and is not expected to impact mRNA splicing.

NM_000075.4(CDK4):c.219-18A>T

Gene: CDK4 (cyclin dependent kinase 4; minus strand). Cytogenetic location: 12q14.1.
Variant type: single nucleotide variant.
Coding change: c.219-18A>T on transcript NM_000075.4 (MANE Select); 18 bases into the intron before coding-DNA position 219, A replaced by T.
Molecular consequence: intron variant.
Genome position (GRCh38, 1-based): chr12:57,751,360, T>A on the plus strand (A>T on the coding strand, the complement: CDK4 is on the minus strand). VCF-style: chr12-57751360-T-A. GRCh37 (hg19) VCF-style: chr12-58145143-T-A.
Identifiers: ClinVar variation 3378816 (VCV003378816.1).